The following is an entry in ClinVar:

NM_001164508.2(NEB):c.17198G>T (p.Arg5733Leu)

Gene: NEB (nebulin; minus strand). Cytogenetic location: 2q23.3.
Variant type: single nucleotide variant.
Coding change: c.17198G>T on transcript NM_001164508.2 (MANE Select); coding-DNA position 17198, G replaced by T.
Protein change: p.Arg5733Leu; replaces arginine 5733 with leucine.
Molecular consequence: missense variant.
Genome position (GRCh38, 1-based): chr2:151,570,313, C>A on the plus strand (G>T on the coding strand, the complement: NEB is on the minus strand). VCF-style: chr2-151570313-C-A. GRCh37 (hg19) VCF-style: chr2-152426827-C-A.
Other names: c.17198G>T, p.Arg5733Leu (NM_001164507.2, NM_001271208.2); c.12095G>T, p.Arg4032Leu (NM_004543.5); short protein forms R5733L, R4032L.
Identifiers: ClinVar variation 646573 (VCV000646573.8), dbSNP rs371681892, ClinGen allele CA57663623.

ClinVar aggregate classification (germline): Uncertain significance. Review status: criteria provided, multiple submitters, no conflicts (2 of 4 stars). 2 submissions from 2 submitters: Uncertain significance (2). Last evaluated 2023-12-11.

Conditions:
Nemaline myopathy 2 (NEM2). Also called: Nemaline myopathy 2, autosomal recessive. Identifiers: MedGen C1850569, MONDO:0009725, OMIM 256030.

Allele frequency attached by ClinVar (database versions not stated): TOPMed 0.00002.
gnomAD v4.1: 31 of 1,610,242 alleles (0.0019%); highest among the groups gnomAD compares: Non-Finnish European, 0.0022%; no homozygotes.

Submissions (2):

Labcorp Genetics (formerly Invitae), Labcorp
Classification: Uncertain significance for Nemaline myopathy 2. Last evaluated: 2023-12-11. Review status: criteria provided, single submitter. Criteria: Invitae Variant Classification Sherloc (09022015). Collection method: clinical testing. Allele origin: germline.
Comment: This sequence change replaces arginine, which is basic and polar, with leucine, which is neutral and non-polar, at codon 5733 of the NEB protein (p.Arg5733Leu). This variant is present in population databases (no rsID available, gnomAD 0.007%). This variant has not been reported in the literature in individuals affected with NEB-related conditions. ClinVar contains an entry for this variant (Variation ID: 646573). Experimental studies and prediction algorithms are not available or were not evaluated, and the functional significance of this variant is currently unknown. In summary, the available evidence is currently insufficient to determine the role of this variant in disease. Therefore, it has been classified as a Variant of Uncertain Significance.

Revvity Omics, Revvity
Classification: Uncertain significance. Last evaluated: 2020-02-24. Review status: criteria provided, single submitter. Criteria: ACMG Guidelines, 2015. Collection method: clinical testing. Allele origin: germline.